The following is an entry in ClinVar:

NM_024675.4(PALB2):c.1115G>A (p.Ser372Asn)

Gene: PALB2 (partner and localizer of BRCA2; minus strand). Cytogenetic location: 16p12.2.
Variant type: single nucleotide variant.
Coding change: c.1115G>A on transcript NM_024675.4 (MANE Select); coding-DNA position 1115, G replaced by A.
Protein change: p.Ser372Asn; replaces serine 372 with asparagine.
Molecular consequence: missense variant.
Genome position (GRCh38, 1-based): chr16:23,635,431, C>T on the plus strand (G>A on the coding strand, the complement: PALB2 is on the minus strand). VCF-style: chr16-23635431-C-T. GRCh37 (hg19) VCF-style: chr16-23646752-C-T.
Other names: short protein forms S372N.
Identifiers: ClinVar variation 955096 (VCV000955096.12), dbSNP rs786204243, ClinGen allele CA395133748.
Genomic context (GRCh38, chr16:23,635,431, plus strand): 5'-TCTGCAGAAAGAGGAGAGGTTGCTTCCAGGCTAAGACTCTTAGGTTGACTTAGAATCTCA[C>T]TTTCCTGAAGATTTTCATTCCTGCCATCAAGAGTGTCACTGGGAGATTTTAAAGATTTCT-3'
Protein context (NP_078951.2, residues 362-382): LDGRNENLQE[Ser372Asn]EILSQPKSLS

ClinVar aggregate classification (germline): Conflicting classifications of pathogenicity. Review status: criteria provided, conflicting classifications (1 of 4 stars). 2 submissions from 2 submitters: Uncertain significance (1); Likely benign (1). Last evaluated 2024-07-06.

Conditions:
Hereditary cancer-predisposing syndrome. Also called: Hereditary neoplastic syndrome; Tumor predisposition; Neoplastic Syndromes, Hereditary; Hereditary Cancer Syndrome. Identifiers: Orphanet 140162, MedGen C0027672, MeSH D009386, MONDO:0015356.
Familial cancer of breast. Also called: hereditary breast carcinoma; Hereditary breast cancer; BREAST CANCER, FAMILIAL. Identifiers: Orphanet 227535, MedGen C0346153, MONDO:0016419, OMIM 114480. Disease mechanism: loss of function.

Submissions (2):

Labcorp Genetics (formerly Invitae), Labcorp
Classification: Uncertain significance for Familial cancer of breast. Last evaluated: 2024-07-06. Review status: criteria provided, single submitter. Criteria: Invitae Variant Classification Sherloc (09022015). Collection method: clinical testing. Allele origin: germline.
Comment: This sequence change replaces serine, which is neutral and polar, with asparagine, which is neutral and polar, at codon 372 of the PALB2 protein (p.Ser372Asn). This variant is not present in population databases (gnomAD no frequency). This variant has not been reported in the literature in individuals affected with PALB2-related conditions. ClinVar contains an entry for this variant (Variation ID: 955096). Advanced modeling of protein sequence and biophysical properties (such as structural, functional, and spatial information, amino acid conservation, physicochemical variation, residue mobility, and thermodynamic stability) performed at Invitae indicates that this missense variant is not expected to disrupt PALB2 protein function with a negative predictive value of 80%. In summary, the available evidence is currently insufficient to determine the role of this variant in disease. Therefore, it has been classified as a Variant of Uncertain Significance.

Ambry Genetics
Classification: Likely benign for Hereditary cancer-predisposing syndrome. Last evaluated: 2023-07-27. Review status: criteria provided, single submitter. Criteria: Ambry Variant Classification Scheme 2023. Collection method: clinical testing. Allele origin: germline.